The following is an entry in ClinVar:

NM_004100.5(EYA4):c.1035G>C (p.Arg345Ser)

Gene: EYA4 (EYA transcriptional coactivator and phosphatase 4; plus strand). Cytogenetic location: 6q23.2.
Variant type: single nucleotide variant.
Coding change: c.1035G>C on transcript NM_004100.5 (MANE Select); coding-DNA position 1035, G replaced by C.
Protein change: p.Arg345Ser; replaces arginine 345 with serine.
Molecular consequence: missense variant.
Genome position (GRCh38, 1-based): chr6:133,481,527, G>C. VCF-style: chr6-133481527-G-C. GRCh37 (hg19) VCF-style: chr6-133802665-G-C.
Other names: c.873G>C, p.Arg291Ser (NM_001301012.2); c.1053G>C, p.Arg351Ser (NM_001301013.2); c.966G>C, p.Arg322Ser (NM_001370458.1, NM_172103.4); c.891G>C, p.Arg297Ser (NM_001370459.1); c.1035G>C, p.Arg345Ser (NM_172105.4); short protein forms R345S, R291S, R351S, R297S, R322S.
Identifiers: ClinVar variation 192118 (VCV000192118.33), dbSNP rs140170914, ClinGen allele CA238391.

ClinVar aggregate classification (germline): Conflicting classifications of pathogenicity. Review status: criteria provided, conflicting classifications (1 of 4 stars). 13 submissions from 12 submitters: Uncertain significance (3); Likely benign (7). 3 of the submissions do not count toward it. Last evaluated 2026-06-15.

Conditions:
EYA4-related disorder. Also called: EYA4-related disorders; EYA4-related condition. Identifiers: MedGen CN239388.
Cardiovascular phenotype. Identifiers: MedGen CN230736.
Autosomal dominant nonsyndromic hearing loss 10. Identifiers: Orphanet 90635, MedGen C1832476, MONDO:0011031, OMIM 601316.
Dilated cardiomyopathy 1J (CMD1J). Also called: CARDIOMYOPATHY, DILATED, WITH SENSORINEURAL HEARING LOSS, AUTOSOMAL DOMINANT. Identifiers: Orphanet 217622, MedGen C1854368, MONDO:0011541, OMIM 605362.

Allele frequency attached by ClinVar (database versions not stated): TOPMed 0.00038; gnomAD 0.00043 and 0.00045; gnomAD exomes 0.00046 and 0.00065; ExAC 0.00059; ESP Exome Variant Server 0.00085.
gnomAD v4.1: 1,001 of 1,613,750 alleles (0.062%); highest among the groups gnomAD compares: Non-Finnish European, 0.082%; 1 homozygote.

Submissions (13):

PreventionGenetics, part of Exact Sciences
Classification: Likely benign for EYA4-related condition. Last evaluated: 2026-06-15. Review status: criteria provided, single submitter. Criteria: ACMG Guidelines, 2015. Collection method: clinical testing. Allele origin: germline.
Comment: This variant is classified as likely benign based on ACMG/AMP sequence variant interpretation guidelines (Richards et al. 2015 PMID: 25741868, with internal and published modifications).

Women's Health and Genetics/Laboratory Corporation of America, LabCorp
Classification: Likely benign. Last evaluated: 2026-02-09. Review status: criteria provided, single submitter. Criteria: LabCorp Variant Classification Summary - May 2015. Collection method: clinical testing. Allele origin: germline.
Comment: Variant summary: EYA4 c.1035G>C (p.Arg345Ser) results in a non-conservative amino acid change in the encoded protein sequence. Algorithms developed to predict the effect of missense changes on protein structure and function are either unavailable or do not agree on the potential impact of this missense change. The variant allele was found at a frequency of 0.00046 in 250806 control chromosomes, predominantly at a frequency of 0.00095 within the Non-Finnish European subpopulation in the gnomAD database. The observed variant frequency within Non-Finnish European control individuals in the gnomAD database exceeds the estimated maximal expected allele frequency for disease-causing variants in EYA4. c.1035G>C has been observed in individuals from studies evaluating auditory and cardiovascular phenotypes (Ng_2013, Sommen_2016, Ahmadmehrabi_2021). These report(s) do not provide unequivocal conclusions about association of the variant with Dilated Cardiomyopathy. To our knowledge, no experimental evidence demonstrating an impact on protein function has been reported. The following publications have been ascertained in the context of this evaluation (PMID: 33745059, 23861362, 27068579). ClinVar contains an entry for this variant (Variation ID: 192118). Based on the evidence outlined above, the variant was classified as likely benign.

Labcorp Genetics (formerly Invitae), Labcorp
Classification: Likely benign for Dilated cardiomyopathy 1J. Last evaluated: 2026-02-02. Review status: criteria provided, single submitter. Criteria: Invitae Variant Classification Sherloc (09022015). Collection method: clinical testing. Allele origin: germline.

Laboratory of Genetics, Children's Clinical University Hospital Latvia
Classification: Likely benign. Last evaluated: 2025-02-16. Review status: criteria provided, single submitter. Criteria: ACMG Guidelines, 2015. Collection method: clinical testing. Allele origin: germline. Affected: yes.

Blueprint Genetics
Classification: Likely benign. Last evaluated: 2024-09-13. Review status: criteria provided, single submitter. Criteria: ACMG Guidelines, 2015. Collection method: clinical testing. Allele origin: germline.

Ambry Genetics
Classification: Uncertain significance for Cardiovascular phenotype. Last evaluated: 2024-04-19. Review status: criteria provided, single submitter. Criteria: Ambry Variant Classification Scheme 2023. Collection method: clinical testing. Allele origin: germline.
Comment: The p.R345S variant (also known as c.1035G>C), located in coding exon 11 of the EYA4 gene, results from a G to C substitution at nucleotide position 1035. The arginine at codon 345 is replaced by serine, an amino acid with dissimilar properties. This alteration has been reported as a secondary cardiac variant in an exome cohort (Ng D et al. Circ Cardiovasc Genet. 2013;6:337-46). This variant was also reported in a hearing loss cohort (Sommen M et al. Hum Mutat, 2016 Aug;37:812-9). This amino acid position is highly conserved in available vertebrate species. In addition, the in silico prediction for this alteration is inconclusive. Since supporting evidence is limited at this time, the clinical significance of this alteration remains unclear.

Illumina Laboratory Services, Illumina
Classification: Likely benign for Autosomal dominant nonsyndromic hearing loss 10. Last evaluated: 2018-01-12. Review status: criteria provided, single submitter. Criteria: ICSL Variant Classification Criteria 13 December 2019. Collection method: clinical testing. Allele origin: germline.
Comment: This variant was observed in the ICSL laboratory as part of a predisposition screen in an ostensibly healthy population. It had not been previously curated by ICSL or reported in the Human Gene Mutation Database (HGMD: prior to June 1st, 2018), and was therefore a candidate for classification through an automated scoring system. Utilizing variant allele frequency, disease prevalence and penetrance estimates, and inheritance mode, an automated score was calculated to assess if this variant is too frequent to cause the disease. Based on the score and internal cut-off values, a variant classified as likely benign is not then subjected to further curation. The score for this variant resulted in a classification of likely benign for this disease.

Illumina Laboratory Services, Illumina
Classification: Uncertain significance for Dilated cardiomyopathy 1J. Last evaluated: 2018-01-12. Review status: criteria provided, single submitter. Criteria: ICSL Variant Classification Criteria 13 December 2019. Collection method: clinical testing. Allele origin: germline.

Laboratory for Molecular Medicine, Mass General Brigham Personalized Medicine
Classification: Uncertain significance. Last evaluated: 2015-12-08. Review status: criteria provided, single submitter. Criteria: LMM Criteria. Collection method: clinical testing. Allele origin: germline. Observed: 1 variant allele.
Comment: Variant classified as Uncertain Significance - Favor Benign. The p.Arg345Ser var iant in EYA4 has not been previously reported in individuals with hearing loss a nd has been identified in 0.1% (71/66610) of European chromosomes by the Exome A ggregation Consortium (ExAC; dbSNP rs140170914). Computational prediction tools and conservation analyses do not provide strong support for or against an impact to the protein. In summary, while the clinical significance of the p.Arg345Ser variant is uncertain, frequency data suggest tha t it is more likely to be benign.

Biesecker Lab/Clinical Genomics Section, National Institutes of Health
Classification: Likely benign. Last evaluated: 2013-06-24. Review status: criteria provided, single submitter. Criteria: Ng et al. (Circ Cardiovasc Genet. 2013). Collection method: research. Allele origin: unknown. Observed: 4 variant alleles. Study: ClinSeq.
Comment: The study set was not selected for affection status in relation to any cancer. Pathogenicity categories were based on literature curation. See Pubmed ID:23861362 for details.

Medical sequencing

Clinical Genetics DNA and cytogenetics Diagnostics Lab, Erasmus MC, Erasmus Medical Center
Classification: Likely benign. Review status: no assertion criteria provided. Collection method: clinical testing. Allele origin: germline. Affected: yes. Study: VKGL Data-share Consensus. Not counted in ClinVar's aggregate classification.

Genome Diagnostics Laboratory, University Medical Center Utrecht
Classification: Likely benign. Review status: no assertion criteria provided. Collection method: clinical testing. Allele origin: germline. Affected: yes. Study: VKGL Data-share Consensus. Not counted in ClinVar's aggregate classification.

Joint Genome Diagnostic Labs from Nijmegen and Maastricht, Radboudumc and MUMC+
Classification: Likely benign. Review status: no assertion criteria provided. Collection method: clinical testing. Allele origin: germline. Affected: yes. Study: VKGL Data-share Consensus. Not counted in ClinVar's aggregate classification.

Literature cited by the submitters: PubMed 23861362 (cited by 3 submitters); PubMed 27068579 (cited by Women's Health and Genetics/Laboratory Corporation of America, LabCorp and Ambry Genetics); PubMed 33745059 (cited by Women's Health and Genetics/Laboratory Corporation of America, LabCorp).